The following is an entry in ClinVar:

NM_001184880.2(PCDH19):c.1165C>G (p.Leu389Val)

Gene: PCDH19 (protocadherin 19; minus strand). Cytogenetic location: Xq22.1.
Variant type: single nucleotide variant.
Coding change: c.1165C>G on transcript NM_001184880.2 (MANE Select); coding-DNA position 1165, C replaced by G.
Protein change: p.Leu389Val; replaces leucine 389 with valine.
Molecular consequence: missense variant.
Genome position (GRCh38, 1-based): chrX:100,407,433, G>C on the plus strand (C>G on the coding strand, the complement: PCDH19 is on the minus strand). VCF-style: chrX-100407433-G-C. GRCh37 (hg19) VCF-style: chrX-99662431-G-C.
Other names: c.1165C>G, p.Leu389Val (NM_001105243.2, NM_020766.3); short protein forms L389V.
Identifiers: ClinVar variation 961587 (VCV000961587.10), dbSNP rs1928404497, ClinGen allele CA414003900.
Genomic context (GRCh38, chrX:100,407,433, plus strand): 5'-CGTCCACCAGAATAGTGGAGAAGCTCTCATATTCCTGCAGTCGAAAGGGCACATTGCCCA[G>C]CAAACGGCACTGCACACGTCCATTGAGGCCTGAGTCGCGATCAGACACCCGCACCAAGGC-3'
Protein context (NP_001171809.1, residues 379-399): GLNGRVQCRL[Leu389Val]GNVPFRLQEY

ClinVar aggregate classification (germline): Uncertain significance (1 of 4 stars; one submission).

Conditions:
Developmental and epileptic encephalopathy, 9 (DEE9). Also called: EPILEPSY, FEMALE-RESTRICTED, WITH MENTAL RETARDATION; JUBERG-HELLMAN SYNDROME; Early infantile epileptic encephalopathy 9; PCDH19-Related X-Linked Female-Limited Epilepsy with Mental Retardation. Identifiers: Orphanet 101039, Orphanet 2076, MedGen C1848137, MONDO:0010246, OMIM 300088. Disease mechanism: loss of function.

Submission:

Labcorp Genetics (formerly Invitae), Labcorp
Classification: Uncertain significance for Developmental and epileptic encephalopathy, 9. Last evaluated: 2019-09-19. Review status: criteria provided, single submitter. Criteria: Invitae Variant Classification Sherloc (09022015). Collection method: clinical testing. Allele origin: germline.
Comment: In summary, the available evidence is currently insufficient to determine the role of this variant in disease. Therefore, it has been classified as a Variant of Uncertain Significance. Algorithms developed to predict the effect of sequence changes on RNA splicing suggest that this variant may create or strengthen a splice site, but this prediction has not been confirmed by published transcriptional studies. Algorithms developed to predict the effect of missense changes on protein structure and function are either unavailable or do not agree on the potential impact of this missense change (SIFT: "Tolerated"; PolyPhen-2: "Possibly Damaging"; Align-GVGD: "Class C0"). This variant has not been reported in the literature in individuals with PCDH19-related conditions. This variant is not present in population databases (ExAC no frequency). This sequence change replaces leucine with valine at codon 389 of the PCDH19 protein (p.Leu389Val). The leucine residue is highly conserved and there is a small physicochemical difference between leucine and valine.